The following is an entry in ClinVar:

NM_014140.4(SMARCAL1):c.1934_1935del (p.Arg645fs)

Gene: SMARCAL1 (SNF2 related chromatin remodeling annealing helicase 1; plus strand). Cytogenetic location: 2q35.
Variant type: Microsatellite.
Coding change: c.1934_1935del on transcript NM_014140.4 (MANE Select); coding-DNA positions 1934 to 1935, 2 bases deleted (GC; older notation c.1934_1935delGC).
Protein change: p.Arg645fs; shifts the reading frame from arginine 645.
Molecular consequence: frameshift variant.
Genome position (GRCh38, 1-based): chr2:216,450,928-216,450,929, GC deleted; deleting any 2 consecutive bases within chr2:216,450,926-216,450,929 gives the same sequence; the c. name uses the placement nearest the transcript's 3' end. VCF-style (leftmost placement, unchanged base first): chr2-216450925-GGC-G. GRCh37 (hg19) VCF-style: chr2-217315648-GGC-G.
Other names: c.1934_1935del, p.Arg645fs (NM_001127207.2); short protein forms R645fs.
Identifiers: ClinVar variation 936403 (VCV000936403.10), dbSNP rs1694436631, ClinGen allele CA1327836912.
Genomic context (GRCh38, chr2:216,450,925, plus strand): 5'-ACTCAGGTTCCTCCAACCTGGGAGAGCTGAAGCTCCTGCTGGAGGAAGCAGTCATGCTGC[GGC>G]GCCTCAAGTCCGACGTCCTTTCCCAGCTGCCTGCCAAGCAGCGCAAGATAGTGGTGATTG-3'

ClinVar aggregate classification (germline): Pathogenic/Likely pathogenic. Review status: criteria provided, multiple submitters, no conflicts (2 of 4 stars). 3 submissions from 3 submitters: Pathogenic (2); Likely pathogenic (1). Last evaluated 2025-07-30.

Conditions:
Schimke immuno-osseous dysplasia (SIOD). Also called: Schimke Immunoosseous Dysplasia. Identifiers: Orphanet 1830, MedGen C0877024, MONDO:0009458, OMIM 242900.

Submissions (3):

Natera, Inc.
Classification: Pathogenic for Schimke immuno-osseous dysplasia. Last evaluated: 2025-07-30. Review status: criteria provided, single submitter. Criteria: Natera Variant Classification Schema (03/2026). Collection method: clinical testing. Allele origin: germline.
Comment: The c.1934_1935del variant in SMARCAL1 is a frameshift variant predicted to shift the reading frame beginning at codon 645 and leads to a stop codon 46 codons downstream. This variant is expected to result in nonsense mediated decay, truncation, or a dysfunctional protein product. This variant is rare in the general population with a frequency below the threshold expected for the associated phenotype(s). This variant has been observed in one or more individuals affected with the associated recessive disease, as either homozygous or compound heterozygous with a second variant (PMID: 11799392). Given the available evidence, this variant is classified as Pathogenic.

Labcorp Genetics (formerly Invitae), Labcorp
Classification: Pathogenic for Schimke immuno-osseous dysplasia. Last evaluated: 2025-03-30. Review status: criteria provided, single submitter. Criteria: Invitae Variant Classification Sherloc (09022015). Collection method: clinical testing. Allele origin: germline.
Comment: This sequence change creates a premature translational stop signal (p.Arg645Profs*46) in the SMARCAL1 gene. It is expected to result in an absent or disrupted protein product. Loss-of-function variants in SMARCAL1 are known to be pathogenic (PMID: 11799392, 20301550). This variant is not present in population databases (gnomAD no frequency). This variant has not been reported in the literature in individuals affected with SMARCAL1-related conditions. ClinVar contains an entry for this variant (Variation ID: 936403). For these reasons, this variant has been classified as Pathogenic.

Fulgent Genetics
Classification: Likely pathogenic for Schimke immuno-osseous dysplasia. Last evaluated: 2024-03-07. Review status: criteria provided, single submitter. Criteria: ACMG Guidelines, 2015. Collection method: clinical testing. Allele origin: germline.

Literature cited by the submitters: PubMed 11799392 (cited by Natera, Inc. and Labcorp Genetics (formerly Invitae), Labcorp); PubMed 20301550 (cited by Labcorp Genetics (formerly Invitae), Labcorp).